The following is an entry in ClinVar:

ClinVar aggregate classification (germline): Likely benign. Review status: criteria provided, multiple submitters, no conflicts (2 of 4 stars). 2 submissions from 2 submitters: Likely benign (2). Last evaluated 2025-02-16.

Allele frequency attached by ClinVar (database versions not stated): gnomAD 0.00016; TOPMed 0.00018.
gnomAD v4.1: 161 of 795,300 alleles (0.02%); highest among the groups gnomAD compares: Non-Finnish European, 0.023%; no homozygotes.

Submissions (2):

Laboratory of Genetics, Children's Clinical University Hospital Latvia
Classification: Likely benign. Last evaluated: 2025-02-16. Review status: criteria provided, single submitter. Criteria: ACMG Guidelines, 2015. Collection method: clinical testing. Allele origin: germline. Affected: yes.

CeGaT Center for Human Genetics Tuebingen
Classification: Likely benign. Last evaluated: 2023-03-01. Review status: criteria provided, single submitter. Criteria: CeGaT Center For Human Genetics Tuebingen Variant Classification Criteria Version 2. Collection method: clinical testing. Allele origin: germline. Affected: yes. Observed: 1 variant allele.
Comment: ENSG00000286366: BS2

NC_000023.11:g.119815258C>T

Gene: UPF3B (UPF3B regulator of nonsense mediated mRNA decay; minus strand). Cytogenetic location: Xq24.
Variant type: single nucleotide variant.
Genome position: GRCh38 VCF-style: chrX-119815258-C-T. GRCh37 (hg19) VCF-style: chrX-118949221-C-T.
Identifiers: ClinVar variation 2499151 (VCV002499151.28), dbSNP rs892689234, ClinGen allele CA334110857.